The following is an entry in ClinVar:

NM_004104.5(FASN):c.3088A>G (p.Met1030Val)

Gene: FASN (fatty acid synthase; minus strand). Cytogenetic location: 17q25.3.
Variant type: single nucleotide variant.
Coding change: c.3088A>G on transcript NM_004104.5 (MANE Select); coding-DNA position 3088, A replaced by G.
Protein change: p.Met1030Val; replaces methionine 1030 with valine.
Molecular consequence: missense variant.
Genome position (GRCh38, 1-based): chr17:82,087,460, T>C on the plus strand (A>G on the coding strand, the complement: FASN is on the minus strand). VCF-style: chr17-82087460-T-C. GRCh37 (hg19) VCF-style: chr17-80045336-T-C.
Other names: short protein forms M1030V.
Identifiers: ClinVar variation 2833284 (VCV002833284.3), dbSNP rs2144794592, ClinGen allele CA401554815.

ClinVar aggregate classification (germline): Uncertain significance (1 of 4 stars; one submission).

Conditions:
Epileptic encephalopathy. Identifiers: MedGen C0543888, HP:0200134.

Submission:

Labcorp Genetics (formerly Invitae), Labcorp
Classification: Uncertain significance for Epileptic encephalopathy. Last evaluated: 2025-03-06. Review status: criteria provided, single submitter. Criteria: Invitae Variant Classification Sherloc (09022015). Collection method: clinical testing. Allele origin: germline.
Comment: This sequence change replaces methionine, which is neutral and non-polar, with valine, which is neutral and non-polar, at codon 1030 of the FASN protein (p.Met1030Val). This variant is not present in population databases (gnomAD no frequency). This variant has not been reported in the literature in individuals affected with FASN-related conditions. ClinVar contains an entry for this variant (Variation ID: 2833284). An algorithm developed to predict the effect of missense changes on protein structure and function outputs the following: PolyPhen-2: "Benign". The valine amino acid residue is found in multiple mammalian species, which suggests that this missense change does not adversely affect protein function. In summary, the available evidence is currently insufficient to determine the role of this variant in disease. Therefore, it has been classified as a Variant of Uncertain Significance.